The following is an entry in ClinVar:

NM_001365999.1(SZT2):c.5464G>A (p.Ala1822Thr)

Gene: SZT2 (SZT2 subunit of KICSTOR complex; plus strand). Cytogenetic location: 1p34.2.
Variant type: single nucleotide variant.
Coding change: c.5464G>A on transcript NM_001365999.1 (MANE Select); coding-DNA position 5464, G replaced by A.
Protein change: p.Ala1822Thr; replaces alanine 1822 with threonine.
Molecular consequence: missense variant.
Genome position (GRCh38, 1-based): chr1:43,432,538, G>A. VCF-style: chr1-43432538-G-A. GRCh37 (hg19) VCF-style: chr1-43898209-G-A.
Other names: c.5293G>A, p.Ala1765Thr (NM_015284.4); short protein forms A1822T, A1765T.
Identifiers: ClinVar variation 1382664 (VCV001382664.5), dbSNP rs2153934196, ClinGen allele CA340025346.
Genomic context (GRCh38, chr1:43,432,538, plus strand): 5'-GTGGGGCCTATACCTCAGTCCTGACTTCCTATTCCTCAGACCCTGACAGCCAGCCCCCAA[G>A]CACCTGGGTCCCCAGAGGATTCTGAGGGTGTCCCCCTCATCAGCCTGCCCCGCGTGCCAC-3'
Protein context (NP_001352928.1, residues 1812-1832): EGETLTASPQ[Ala1822Thr]PGSPEDSEGV

ClinVar aggregate classification (germline): Uncertain significance (1 of 4 stars; one submission).

gnomAD v4.1: 1 of 1,610,470 alleles (0.000062%); highest among the groups gnomAD compares: Non-Finnish European, 0.000085%; no homozygotes.

Submission:

Labcorp Genetics (formerly Invitae), Labcorp
Classification: Uncertain significance. Last evaluated: 2022-02-03. Review status: criteria provided, single submitter. Criteria: Invitae Variant Classification Sherloc (09022015). Collection method: clinical testing. Allele origin: germline.
Comment: This sequence change replaces alanine, which is neutral and non-polar, with threonine, which is neutral and polar, at codon 1765 of the SZT2 protein (p.Ala1765Thr). This variant is not present in population databases (gnomAD no frequency). This variant has not been reported in the literature in individuals affected with SZT2-related conditions. Algorithms developed to predict the effect of missense changes on protein structure and function (SIFT, PolyPhen-2, Align-GVGD) all suggest that this variant is likely to be tolerated. In summary, the available evidence is currently insufficient to determine the role of this variant in disease. Therefore, it has been classified as a Variant of Uncertain Significance.